The following is an entry in ClinVar:

NM_004656.4(BAP1):c.1337A>T (p.Asn446Ile)

Gene: BAP1 (BRCA1 associated deubiquitinase 1; minus strand). Cytogenetic location: 3p21.1.
Variant type: single nucleotide variant.
Coding change: c.1337A>T on transcript NM_004656.4 (MANE Select); coding-DNA position 1337, A replaced by T.
Protein change: p.Asn446Ile; replaces asparagine 446 with isoleucine.
Molecular consequence: missense variant.
Genome position (GRCh38, 1-based): chr3:52,403,808, T>A on the plus strand (A>T on the coding strand, the complement: BAP1 is on the minus strand). VCF-style: chr3-52403808-T-A. GRCh37 (hg19) VCF-style: chr3-52437824-T-A.
Other names: c.1337A>T (LRG_529t1); short protein forms N446I.
Identifiers: ClinVar variation 489613 (VCV000489613.19), dbSNP rs751399960, ClinGen allele CA2436822.

ClinVar aggregate classification (germline): Conflicting classifications of pathogenicity. Review status: criteria provided, conflicting classifications (1 of 4 stars). 6 submissions from 6 submitters: Uncertain significance (4); Benign (1); Likely benign (1). Last evaluated 2025-09-27.

Conditions:
Hereditary cancer-predisposing syndrome. Also called: Hereditary Cancer Syndrome; Neoplastic Syndromes, Hereditary; Tumor predisposition; Hereditary neoplastic syndrome. Identifiers: Orphanet 140162, MedGen C0027672, MeSH D009386, MONDO:0015356.
BAP1-related tumor predisposition syndrome (TPDS1). Also called: Tumor susceptibility linked to germline BAP1 mutations; BAP1 tumor predisposition syndrome; COMMON Syndrome; TUMOR PREDISPOSITION SYNDROME 1. Identifiers: Orphanet 289539, MedGen C3280492, MONDO:0013692, OMIM 614327.
Kury-Isidor syndrome (KURIS). Identifiers: MedGen C5676925, MONDO:0859230, OMIM 619762.
Melanoma, uveal, susceptibility to, 2 (UVM2). Also called: Melanoma, uveal 2. Identifiers: Orphanet 39044, MedGen C1847723, MONDO:0011696, OMIM 606661.

Allele frequency attached by ClinVar (database versions not stated): TOPMed 0.00001.
gnomAD v4.1: 34 of 1,614,090 alleles (0.0021%); highest among the groups gnomAD compares: Non-Finnish European, 0.0026%; no homozygotes.

Submissions (6):

Labcorp Genetics (formerly Invitae), Labcorp
Classification: Uncertain significance for BAP1-related tumor predisposition syndrome. Last evaluated: 2025-09-27. Review status: criteria provided, single submitter. Criteria: Invitae Variant Classification Sherloc (09022015). Collection method: clinical testing. Allele origin: germline.
Comment: This sequence change replaces asparagine, which is neutral and polar, with isoleucine, which is neutral and non-polar, at codon 446 of the BAP1 protein (p.Asn446Ile). This variant is present in population databases (rs751399960, gnomAD 0.002%). This missense change has been observed in individual(s) with cutaneous melanoma (PMID: 25787093). ClinVar contains an entry for this variant (Variation ID: 489613). Invitae Evidence Modeling of protein sequence and biophysical properties (such as structural, functional, and spatial information, amino acid conservation, physicochemical variation, residue mobility, and thermodynamic stability) indicates that this missense variant is not expected to disrupt BAP1 protein function with a negative predictive value of 80%. In summary, the available evidence is currently insufficient to determine the role of this variant in disease. Therefore, it has been classified as a Variant of Uncertain Significance.

Color Diagnostics, LLC DBA Color Health
Classification: Uncertain significance for Hereditary cancer-predisposing syndrome. Last evaluated: 2025-08-08. Review status: criteria provided, single submitter. Criteria: ACMG Guidelines, 2015. Collection method: clinical testing. Allele origin: germline.
Comment: This missense variant replaces asparagine with isoleucine at codon 446 of the BAP1 protein. Computational prediction is inconclusive regarding the impact of this variant on protein structure and function. To our knowledge, functional studies have not been reported for this variant. This variant has been reported in an individual affected with melanoma (PMID: 25787093). This variant has been identified in 2/251434 chromosomes in the general population by the Genome Aggregation Database (gnomAD). The available evidence is insufficient to determine the role of this variant in disease conclusively. Therefore, this variant is classified as a Variant of Uncertain Significance.

Ambry Genetics
Classification: Benign for Hereditary cancer-predisposing syndrome. Last evaluated: 2025-06-20. Review status: criteria provided, single submitter. Criteria: Ambry Variant Classification Scheme 2023. Collection method: clinical testing. Allele origin: germline.

Myriad Genetics, Inc.
Classification: Likely benign for BAP1-related tumor predisposition syndrome. Last evaluated: 2024-07-16. Review status: criteria provided, single submitter. Criteria: Myriad Autosomal Dominant, Autosomal Recessive and X-Linked Classification Criteria (2023). Collection method: clinical testing. Allele origin: unknown.
Comment: This variant is considered likely benign. This variant has been observed at a population frequency that is significantly greater than expected given the associated disease prevalence and penetrance.

Fulgent Genetics
Classification: Uncertain significance for Melanoma, uveal, susceptibility to, 2; BAP1-related tumor predisposition syndrome; Kury-Isidor syndrome. Last evaluated: 2024-06-06. Review status: criteria provided, single submitter. Criteria: ACMG Guidelines, 2015. Collection method: clinical testing. Allele origin: germline.

Baylor Genetics
Classification: Uncertain significance for BAP1-related tumor predisposition syndrome. Last evaluated: 2024-02-18. Review status: criteria provided, single submitter. Criteria: ACMG Guidelines, 2015. Collection method: clinical testing. Allele origin: unknown.

Literature cited by the submitters: PubMed 25787093 (cited by 3 submitters); PubMed 28793149 (cited by Ambry Genetics); PubMed 38969833 (cited by Ambry Genetics).